The following is an entry in ClinVar:

ClinVar aggregate classification (germline): Uncertain significance (1 of 4 stars; one submission).

Submission:

Labcorp Genetics (formerly Invitae), Labcorp
Classification: Uncertain significance. Last evaluated: 2024-04-29. Review status: criteria provided, single submitter. Criteria: Invitae Variant Classification Sherloc (09022015). Collection method: clinical testing. Allele origin: germline.
Comment: This sequence change replaces methionine, which is neutral and non-polar, with isoleucine, which is neutral and non-polar, at codon 181 of the RAB11A protein (p.Met181Ile). This variant is present in population databases (rs760325951, gnomAD 0.003%). This variant has not been reported in the literature in individuals affected with RAB11A-related conditions. An algorithm developed to predict the effect of missense changes on protein structure and function (PolyPhen-2) suggests that this variant is likely to be tolerated. In summary, the available evidence is currently insufficient to determine the role of this variant in disease. Therefore, it has been classified as a Variant of Uncertain Significance.

NM_004663.5(RAB11A):c.543G>A (p.Met181Ile)

Gene: RAB11A (RAB11A, member RAS oncogene family; plus strand). Cytogenetic location: 15q22.31.
Variant type: single nucleotide variant.
Coding change: c.543G>A on transcript NM_004663.5 (MANE Select); coding-DNA position 543, G replaced by A.
Protein change: p.Met181Ile; replaces methionine 181 with isoleucine.
Molecular consequence: missense variant.
Genome position (GRCh38, 1-based): chr15:65,887,732, G>A. VCF-style: chr15-65887732-G-A. GRCh37 (hg19) VCF-style: chr15-66180070-G-A.
Other names: c.448G>A, p.Val150Ile (NM_001206836.2); short protein forms M181I, V150I.
Identifiers: ClinVar variation 3697853 (VCV003697853.2).